The following is an entry in ClinVar:

NM_001242.5(CD27):c.538+1G>C

Genes: CD27 (CD27 molecule; plus strand), CD27-AS1 (CD27 antisense RNA 1; minus strand). Cytogenetic location: 12p13.31.
Variant type: single nucleotide variant.
Coding change: c.538+1G>C on transcript NM_001242.5 (MANE Select); the canonical splice donor site of the intron after coding-DNA position 538, G replaced by C.
Molecular consequence: splice donor variant. On other transcripts: non-coding transcript variant (1).
Genome position (GRCh38, 1-based): chr12:6,450,631, G>C. VCF-style: chr12-6450631-G-C. GRCh37 (hg19) VCF-style: chr12-6559797-G-C.
Other names: c.88+1G>C (NM_001413267.1, NM_001413266.1, NM_001413268.1); c.631+1G>C (NM_001413263.1); c.358+1G>C (NM_001413265.1); c.511+1G>C (NM_001413264.1).
Identifiers: ClinVar variation 4701655 (VCV004701655.1).

ClinVar aggregate classification (germline): Likely pathogenic (1 of 4 stars; one submission).

Conditions:
Lymphoproliferative syndrome 2 (LPFS2). Also called: CD27 DEFICIENCY; Combined immunodeficiency due to CD27 deficiency. Identifiers: Orphanet 238505, MedGen C3554540, MONDO:0014054, OMIM 615122.

gnomAD v4.1: 4 of 1,611,220 alleles (0.00025%); highest among the groups gnomAD compares: Admixed American, 0.0033%; no homozygotes.

Submission:

Labcorp Genetics (formerly Invitae), Labcorp
Classification: Likely pathogenic for Lymphoproliferative syndrome 2. Last evaluated: 2025-08-31. Review status: criteria provided, single submitter. Criteria: Invitae Variant Classification Sherloc (09022015). Collection method: clinical testing. Allele origin: germline.
Comment: This sequence change affects a donor splice site in intron 4 of the CD27 gene. It is expected to disrupt RNA splicing. Variants that disrupt the donor or acceptor splice site typically lead to a loss of protein function (PMID: 16199547), and loss-of-function variants in CD27 are known to be pathogenic (PMID: 25843314). This variant is present in population databases (rs150872364, gnomAD 0.0009%). This variant has not been reported in the literature in individuals affected with CD27-related conditions. Algorithms developed to predict the effect of sequence changes on RNA splicing suggest that this variant may disrupt the consensus splice site. In summary, the currently available evidence indicates that the variant is pathogenic, but additional data are needed to prove that conclusively. Therefore, this variant has been classified as Likely Pathogenic.

Literature cited by the submitters: PubMed 16199547; PubMed 25843314.